The following is an entry in ClinVar:

ClinVar aggregate classification (germline): Likely benign. Review status: criteria provided, multiple submitters, no conflicts (2 of 4 stars). 2 submissions from 2 submitters: Likely benign (2). Last evaluated 2024-12-06.

Conditions:
Hereditary cancer-predisposing syndrome. Also called: Hereditary neoplastic syndrome; Neoplastic Syndromes, Hereditary; Hereditary Cancer Syndrome; Tumor predisposition. Identifiers: Orphanet 140162, MedGen C0027672, MeSH D009386, MONDO:0015356.

Submissions (2):

Labcorp Genetics (formerly Invitae), Labcorp
Classification: Likely benign. Last evaluated: 2024-12-06. Review status: criteria provided, single submitter. Criteria: Invitae Variant Classification Sherloc (09022015). Collection method: clinical testing. Allele origin: germline.

GeneDx
Classification: Likely benign for Neoplastic Syndromes, Hereditary. Last evaluated: 2014-02-05. Review status: criteria provided, single submitter. Criteria: GeneDx Variant Classification (06012015). Collection method: clinical testing. Allele origin: germline. Affected: yes.
Comment: The variant is found in HEREDICANCER panel(s).

NM_139076.3(ABRAXAS1):c.682-13_682-9del

Gene: ABRAXAS1 (abraxas 1, BRCA1 A complex subunit; minus strand). Cytogenetic location: 4q21.23.
Variant type: Deletion.
Coding change: c.682-13_682-9del on transcript NM_139076.3 (MANE Select); 13 bases into the intron before coding-DNA position 682 through 9 bases into the intron before coding-DNA position 682, 5 bases deleted (CTTTA; older notation c.682-13_682-9delCTTTA).
Molecular consequence: intron variant.
Genome position (GRCh38, 1-based): chr4:83,463,617-83,463,621, TAAAG deleted on the plus strand (CTTTA on the coding strand, the reverse complement: ABRAXAS1 is on the minus strand); deleting any 5 consecutive bases within chr4:83,463,617-83,463,624 gives the same sequence; the c. name uses the placement nearest the transcript's 3' end. VCF-style (leftmost placement, unchanged base first): chr4-83463616-ATAAAG-A. GRCh37 (hg19) VCF-style: chr4-84384769-ATAAAG-A.
Other names: c.682-13_682-9delCTTTA (NM_139076.2); c.355-13_355-9del (NM_001345962.2).
Identifiers: ClinVar variation 128224 (VCV000128224.11), dbSNP rs724159832, ClinGen allele CA288651.